The following is an entry in ClinVar:

NM_000780.4(CYP7A1):c.24G>T (p.Trp8Cys)

Genes: CYP7A1 (cytochrome P450 family 7 subfamily A member 1; minus strand), LOC110596866 (CYP7A1 5' regulatory region; plus strand). Cytogenetic location: 8q12.1.
Variant type: single nucleotide variant.
Coding change: c.24G>T on transcript NM_000780.4 (MANE Select); coding-DNA position 24, G replaced by T.
Protein change: p.Trp8Cys; replaces tryptophan 8 with cysteine.
Molecular consequence: missense variant.
Genome position (GRCh38, 1-based): chr8:58,500,075, C>A on the plus strand (G>T on the coding strand, the complement: CYP7A1 is on the minus strand). VCF-style: chr8-58500075-C-A. GRCh37 (hg19) VCF-style: chr8-59412634-C-A.
Other names: short protein forms W8C.
Identifiers: ClinVar variation 3061196 (VCV003061196.2), dbSNP rs2487046115, ClinGen allele CA371298545.

ClinVar aggregate classification (germline): Uncertain significance (0 of 4 stars; one submission).

Conditions:
CYP7A1-related disorder. Also called: CYP7A1-related condition.

gnomAD v4.1: 1 of 1,612,948 alleles (0.000062%); no homozygotes.

Submission:

PreventionGenetics, part of Exact Sciences
Classification: Uncertain significance for CYP7A1-related condition. Last evaluated: 2024-02-07. Review status: no assertion criteria provided. Collection method: clinical testing. Allele origin: germline.
Comment: The CYP7A1 c.24G>T variant is predicted to result in the amino acid substitution p.Trp8Cys. To our knowledge, this variant has not been reported in the literature or in a large population database, indicating this variant is rare. At this time, the clinical significance of this variant is uncertain due to the absence of conclusive functional and genetic evidence.